The following is an entry in ClinVar:

NM_182914.3(SYNE2):c.8000C>T (p.Ala2667Val)

Gene: SYNE2 (spectrin repeat containing nuclear envelope protein 2; plus strand). Cytogenetic location: 14q23.2.
Variant type: single nucleotide variant.
Coding change: c.8000C>T on transcript NM_182914.3 (MANE Select); coding-DNA position 8000, C replaced by T.
Protein change: p.Ala2667Val; replaces alanine 2667 with valine.
Molecular consequence: missense variant.
Genome position (GRCh38, 1-based): chr14:64,051,913, C>T. VCF-style: chr14-64051913-C-T. GRCh37 (hg19) VCF-style: chr14-64518631-C-T.
Other names: c.8000C>T (NM_182914.2); c.8000C>T, p.Ala2667Val (NM_015180.6); short protein forms A2667V.
Identifiers: ClinVar variation 2058718 (VCV002058718.5), dbSNP rs564615290, ClinGen allele CA7221046.

ClinVar aggregate classification (germline): Uncertain significance. Review status: criteria provided, multiple submitters, no conflicts (2 of 4 stars). 2 submissions from 2 submitters: Uncertain significance (2). Last evaluated 2023-09-22.

Conditions:
Emery-Dreifuss muscular dystrophy 5, autosomal dominant (EDMD5). Also called: EMERY-DREIFUSS MUSCULAR DYSTROPHY 5. Identifiers: Orphanet 261, MedGen C2751805, MONDO:0013072, OMIM 612999.

Allele frequency attached by ClinVar (database versions not stated): gnomAD 0.00001; gnomAD exomes 0.00001; ExAC 0.00005; TOPMed 0.00005; 1000 Genomes Project 30x 0.00016; 1000 Genomes Project 0.00020.

Submissions (2):

Ambry Genetics
Classification: Uncertain significance. Last evaluated: 2023-09-22. Review status: criteria provided, single submitter. Criteria: Ambry Variant Classification Scheme 2023. Collection method: clinical testing. Allele origin: germline.

Labcorp Genetics (formerly Invitae), Labcorp
Classification: Uncertain significance for Emery-Dreifuss muscular dystrophy 5, autosomal dominant. Last evaluated: 2023-07-27. Review status: criteria provided, single submitter. Criteria: Invitae Variant Classification Sherloc (09022015). Collection method: clinical testing. Allele origin: germline.
Comment: This sequence change replaces alanine, which is neutral and non-polar, with valine, which is neutral and non-polar, at codon 2667 of the SYNE2 protein (p.Ala2667Val). This variant is present in population databases (rs564615290, gnomAD 0.04%), and has an allele count higher than expected for a pathogenic variant. This variant has not been reported in the literature in individuals affected with SYNE2-related conditions. ClinVar contains an entry for this variant (Variation ID: 2058718). An algorithm developed to predict the effect of missense changes on protein structure and function (PolyPhen-2) suggests that this variant is likely to be tolerated. In summary, the available evidence is currently insufficient to determine the role of this variant in disease. Therefore, it has been classified as a Variant of Uncertain Significance.